The following is an entry in ClinVar:

NM_138780.3(SYTL5):c.905G>A (p.Arg302His)

Gene: SYTL5 (synaptotagmin like 5; plus strand). Cytogenetic location: Xp11.4.
Variant type: single nucleotide variant.
Coding change: c.905G>A on transcript NM_138780.3 (MANE Select); coding-DNA position 905, G replaced by A.
Protein change: p.Arg302His; replaces arginine 302 with histidine.
Molecular consequence: missense variant.
Genome position (GRCh38, 1-based): chrX:38,094,368, G>A. VCF-style: chrX-38094368-G-A. GRCh37 (hg19) VCF-style: chrX-37953621-G-A.
Other names: c.905G>A, p.Arg302His (NM_001163334.1, NM_001163335.2); short protein forms R302H.
Identifiers: ClinVar variation 3046743 (VCV003046743.2), dbSNP rs150600953, ClinGen allele CA10384346.

ClinVar aggregate classification (germline): Benign (0 of 4 stars; one submission).

Conditions:
SYTL5-related disorder. Also called: SYTL5-related condition.

Allele frequency attached by ClinVar (database versions not stated): TOPMed 0.00026; ESP Exome Variant Server 0.00038; gnomAD 0.00041; ExAC 0.00101; 1000 Genomes Project 0.00212; 1000 Genomes Project 30x 0.00250.
gnomAD v4.1: 407 of 1,203,724 alleles (0.034%); highest among the groups gnomAD compares: South Asian, 0.56%; 5 homozygotes.

Submission:

PreventionGenetics, part of Exact Sciences
Classification: Benign for SYTL5-related condition. Last evaluated: 2019-02-20. Review status: no assertion criteria provided. Collection method: clinical testing. Allele origin: germline.
Comment: This variant is classified as benign based on ACMG/AMP sequence variant interpretation guidelines (Richards et al. 2015 PMID: 25741868, with internal and published modifications).